The following is an entry in ClinVar:

ClinVar aggregate classification (germline): Uncertain significance. Review status: criteria provided, multiple submitters, no conflicts (2 of 4 stars). 2 submissions from 2 submitters: Uncertain significance (2). Last evaluated 2024-11-19.

Allele frequency attached by ClinVar (database versions not stated): TOPMed below 0.00001; gnomAD 0.00001; gnomAD exomes 0.00002.
gnomAD v4.1: 36 of 1,613,846 alleles (0.0022%); highest among the groups gnomAD compares: Non-Finnish European, 0.003%; no homozygotes.

Submissions (2):

Labcorp Genetics (formerly Invitae), Labcorp
Classification: Uncertain significance. Last evaluated: 2024-11-19. Review status: criteria provided, single submitter. Criteria: Invitae Variant Classification Sherloc (09022015). Collection method: clinical testing. Allele origin: germline.
Comment: This sequence change replaces glycine, which is neutral and non-polar, with glutamic acid, which is acidic and polar, at codon 1084 of the COL11A2 protein (p.Gly1084Glu). This variant is present in population databases (no rsID available, gnomAD 0.01%). This variant has not been reported in the literature in individuals affected with COL11A2-related conditions. ClinVar contains an entry for this variant (Variation ID: 2150333). Invitae Evidence Modeling of protein sequence and biophysical properties (such as structural, functional, and spatial information, amino acid conservation, physicochemical variation, residue mobility, and thermodynamic stability) indicates that this missense variant is expected to disrupt COL11A2 protein function with a positive predictive value of 95%. In summary, the available evidence is currently insufficient to determine the role of this variant in disease. Therefore, it has been classified as a Variant of Uncertain Significance.

GeneDx
Classification: Uncertain significance. Last evaluated: 2024-04-18. Review status: criteria provided, single submitter. Criteria: GeneDx Variant Classification Process June 2021. Collection method: clinical testing. Allele origin: germline. Affected: yes.
Comment: In silico analysis supports that this missense variant has a deleterious effect on protein structure/function; Has not been previously published as pathogenic or benign to our knowledge

NM_080680.3(COL11A2):c.3251G>A (p.Gly1084Glu)

Gene: COL11A2 (collagen type XI alpha 2 chain; minus strand). Cytogenetic location: 6p21.32.
Variant type: single nucleotide variant.
Coding change: c.3251G>A on transcript NM_080680.3 (MANE Select); coding-DNA position 3251, G replaced by A.
Protein change: p.Gly1084Glu; replaces glycine 1084 with glutamic acid.
Molecular consequence: missense variant.
Genome position (GRCh38, 1-based): chr6:33,171,474, C>T on the plus strand (G>A on the coding strand, the complement: COL11A2 is on the minus strand). VCF-style: chr6-33171474-C-T. GRCh37 (hg19) VCF-style: chr6-33139251-C-T.
Other names: c.2930G>A, p.Gly977Glu (NM_080679.3); c.2993G>A, p.Gly998Glu (NM_080681.3); c.3251G>A (NM_080680.2); short protein forms G977E, G998E, G1084E.
Identifiers: ClinVar variation 2150333 (VCV002150333.4), dbSNP rs1292917337, ClinGen allele CA363635856.